The following is an entry in ClinVar:

ClinVar aggregate classification (germline): Likely pathogenic (1 of 4 stars; one submission).

Conditions:
Cobalamin C disease. Also called: methylmalonic aciduria and homocystinuria type cblC; Methylmalonic aciduria and homocystinuria, Vitamin B12-responsive; Vitamin B12 metabolic defect with combined deficiency of methylmalonyl-CoA mutase and homocysteine:methyltetrahydrofolate methyltransferase; Methylmalonic aciduria with homocystinuria cblC type; Cobalamin-C methylmalonic acidemia and homocystinuria; Methylmalonic acidemia and homocystinuria cblC type. Identifiers: Orphanet 26, Orphanet 79282, MedGen C1848561, MONDO:0010184, OMIM 277400.

Allele frequency attached by ClinVar (database versions not stated): gnomAD exomes below 0.00001.
gnomAD v4.1: 1 of 1,614,130 alleles (0.000062%); highest among the groups gnomAD compares: South Asian, 0.0011%; no homozygotes.

Submission:

Labcorp Genetics (formerly Invitae), Labcorp
Classification: Likely pathogenic for Cobalamin C disease. Last evaluated: 2024-01-15. Review status: criteria provided, single submitter. Criteria: Invitae Variant Classification Sherloc (09022015). Collection method: clinical testing. Allele origin: germline.
Comment: This sequence change affects an acceptor splice site in intron 2 of the MMACHC gene. It is expected to disrupt RNA splicing. Variants that disrupt the donor or acceptor splice site typically lead to a loss of protein function (PMID: 16199547), and loss-of-function variants in MMACHC are known to be pathogenic (PMID: 16311595). This variant is not present in population databases (gnomAD no frequency). This variant has not been reported in the literature in individuals affected with MMACHC-related conditions. Algorithms developed to predict the effect of sequence changes on RNA splicing suggest that this variant may disrupt the consensus splice site. In summary, the currently available evidence indicates that the variant is pathogenic, but additional data are needed to prove that conclusively. Therefore, this variant has been classified as Likely Pathogenic.

Literature cited by the submitters: PubMed 16199547; PubMed 16311595.

NM_015506.3(MMACHC):c.277-1G>A

Gene: MMACHC (metabolism of cobalamin associated C; plus strand). Cytogenetic location: 1p34.1.
Variant type: single nucleotide variant.
Coding change: c.277-1G>A on transcript NM_015506.3 (MANE Select); the canonical splice acceptor site of the intron before coding-DNA position 277, G replaced by A.
Molecular consequence: splice acceptor variant.
Genome position (GRCh38, 1-based): chr1:45,508,211, G>A. VCF-style: chr1-45508211-G-A. GRCh37 (hg19) VCF-style: chr1-45973883-G-A.
Other names: c.106-1G>A (NM_001330540.2).
Identifiers: ClinVar variation 2709493 (VCV002709493.3), dbSNP rs2522824447, ClinGen allele CA340132084.